The following is an entry in ClinVar:

ClinVar aggregate classification (germline): Pathogenic (1 of 4 stars; one submission).

Submission:

Labcorp Genetics (formerly Invitae), Labcorp
Classification: Pathogenic. Last evaluated: 2022-06-13. Review status: criteria provided, single submitter. Criteria: Invitae Variant Classification Sherloc (09022015). Collection method: clinical testing. Allele origin: germline.
Comment: For these reasons, this variant has been classified as Pathogenic. ClinVar contains an entry for this variant (Variation ID: 1075981). This variant has not been reported in the literature in individuals affected with GNAT2-related conditions. The frequency data for this variant in the population databases is considered unreliable, as metrics indicate poor data quality at this position in the gnomAD database. This sequence change creates a premature translational stop signal (p.Gly2Glufs*18) in the GNAT2 gene. It is expected to result in an absent or disrupted protein product. Loss-of-function variants in GNAT2 are known to be pathogenic (PMID: 12077706).

Literature cited by the submitters: PubMed 12077706.

NM_001377295.2(GNAT2):c.5del (p.Gly2fs)

Gene: GNAT2 (G protein subunit alpha transducin 2; minus strand). Cytogenetic location: 1p13.3.
Variant type: Deletion.
Coding change: c.5del on transcript NM_001377295.2 (MANE Select); coding-DNA position 5, one base deleted (G; older notation c.5delG).
Protein change: p.Gly2fs; shifts the reading frame from glycine 2.
Molecular consequence: frameshift variant, initiator codon variant.
Genome position (GRCh38, 1-based): chr1:109,612,866, C deleted on the plus strand (G on the coding strand, the reverse complement: GNAT2 is on the minus strand); the first of 3 consecutive C bases (chr1:109,612,866-109,612,868); deleting any one gives the same sequence. VCF-style (leftmost placement, unchanged base first): chr1-109612865-TC-T. GRCh37 (hg19) VCF-style: chr1-110155487-TC-T.
Other names: c.5del, p.Gly2fs (NM_001379232.1, NM_005272.5); short protein forms G2fs.
Identifiers: ClinVar variation 1075981 (VCV001075981.7), dbSNP rs765367881, ClinGen allele CA992540.